The following is an entry in ClinVar:

NM_002907.4(RECQL):c.1724_1726dup (p.Lys575_Ala576insGlu)

Genes: PYROXD1 (pyridine nucleotide-disulphide oxidoreductase domain 1; plus strand), RECQL (RecQ like helicase; minus strand). Cytogenetic location: 12p12.1.
Variant type: Duplication.
Coding change: c.1724_1726dup on transcript NM_002907.4 (MANE Select); coding-DNA positions 1724 to 1726, 3 bases duplicated (AAG; older notation c.1724_1726dupAAG).
Protein change: p.Lys575_Ala576insGlu.
Molecular consequence: inframe insertion. On other transcripts: 3 prime UTR variant (3).
Genome position (GRCh38, 1-based): chr12:21,471,040-21,471,042, CTT duplicated on the plus strand (AAG on the coding strand, the reverse complement: RECQL is on the minus strand). VCF-style (leftmost placement, unchanged base first): chr12-21471039-G-GCTT. GRCh37 (hg19) VCF-style: chr12-21623973-G-GCTT.
Other names: c.1724_1726dup, p.Lys575_Ala576insGlu (NM_032941.3); c.*2286_*2288dup (NM_001350912.2, NM_001350913.2, NM_024854.5).
Identifiers: ClinVar variation 3222949 (VCV003222949.1), dbSNP rs2540314168, ClinGen allele CA2825002069.
Genomic context (GRCh38, chr12:21,471,039, plus strand): 5'-TTCTGCGTGGACTTTGTCACTTGCATAGTAATAGCATGTGCCTCATTGTTCAGAAGATTA[G>GCTT]CTTTAGGTCCTATTTTCAAATACGAAATGGTAGCATAAGCTGTAAAACTGTAGTCTTCTC-3'

ClinVar aggregate classification (germline): Uncertain significance (1 of 4 stars; one submission).

Submission:

Ambry Genetics
Classification: Uncertain significance. Last evaluated: 2023-11-02. Review status: criteria provided, single submitter. Criteria: Ambry Variant Classification Scheme 2023. Collection method: clinical testing. Allele origin: germline.
Comment: The c.1724_1726dupAAG variant (also known as p.K575_A576insE), located in coding exon 13 of the RECQL gene, results from an in-frame duplication of AAG at nucleotide positions 1724 to 1726. This results in the insertion of a glutamic acid residue between codons 575 and 576. This amino acid region is well conserved in available vertebrate species. In addition, the in silico prediction for this alteration is inconclusive (Choi Y et al. PLoS ONE. 2012; 7(10):e46688). The evidence for this gene-disease relationship is limited; therefore, the clinical significance of this alteration is unclear.